The following is an entry in ClinVar:

ClinVar aggregate classification (germline): Pathogenic/Likely pathogenic. Review status: criteria provided, multiple submitters, no conflicts (2 of 4 stars). 4 submissions from 4 submitters: Pathogenic (1); Likely pathogenic (3). Last evaluated 2024-05-09.

Conditions:
CEP104-related disorders.
Intellectual developmental disorder, autosomal recessive 77 (MRT77). Identifiers: MedGen C5774193, MONDO:0031031, OMIM 619988.
Joubert syndrome 25 (JBTS25). Identifiers: Orphanet 475, MedGen C4084842, MONDO:0014770, OMIM 616781.

Allele frequency attached by ClinVar (database versions not stated): ExAC 0.00001; gnomAD 0.00001.

Submissions (4):

Fulgent Genetics
Classification: Likely pathogenic for Joubert syndrome 25; Intellectual developmental disorder, autosomal recessive 77. Last evaluated: 2024-05-09. Review status: criteria provided, single submitter. Criteria: ACMG Guidelines, 2015. Collection method: clinical testing. Allele origin: germline.

Genetic Services Laboratory, University of Chicago
Classification: Likely pathogenic. Last evaluated: 2023-07-10. Review status: criteria provided, single submitter. Criteria: ACMG Guidelines, 2015. Collection method: clinical testing. Allele origin: germline. Affected: yes.
Comment: DNA sequence analysis of the CEP104 gene demonstrated a sequence change, c.163C>T, which results in the creation of a premature stop codon at amino acid position 55, p.Arg55*. This sequence change is predicted to result in an abnormal transcript, which may be degraded, or may lead to the production of a truncated CEP104 protein with potentially abnormal function. This sequence change has been described in the gnomAD database with an overall frequency of 0.0004% (dbSNP rs757772764). This sequence change has not been previously described in individuals with CEP104-related disorders, however other loss-of-function variants in CEP104 have been reported be pathogenic (PMID: 26477546). These collective evidences indicate that this sequence change is pathogenic, however functional studies have not been performed to prove this conclusively.

Labcorp Genetics (formerly Invitae), Labcorp
Classification: Pathogenic for Joubert syndrome 25. Last evaluated: 2022-12-28. Review status: criteria provided, single submitter. Criteria: Invitae Variant Classification Sherloc (09022015). Collection method: clinical testing. Allele origin: germline.
Comment: For these reasons, this variant has been classified as Pathogenic. This variant has not been reported in the literature in individuals affected with CEP104-related conditions. This variant is present in population databases (rs757772764, gnomAD 0.0009%). This sequence change creates a premature translational stop signal (p.Arg55*) in the CEP104 gene. It is expected to result in an absent or disrupted protein product. Loss-of-function variants in CEP104 are known to be pathogenic (PMID: 26477546).

Blueprint Genetics
Classification: Likely pathogenic for CEP104-related disorders. Last evaluated: 2022-09-21. Review status: criteria provided, single submitter. Criteria: ACMG Guidelines, 2015. Collection method: clinical testing. Allele origin: germline. Affected: yes. Observed: 2 variant alleles.

Literature cited by the submitters: PubMed 26477546 (cited by Labcorp Genetics (formerly Invitae), Labcorp).

NM_014704.4(CEP104):c.163C>T (p.Arg55Ter)

Gene: CEP104 (centrosomal protein 104; minus strand). Cytogenetic location: 1p36.32.
Variant type: single nucleotide variant.
Coding change: c.163C>T on transcript NM_014704.4 (MANE Select); coding-DNA position 163, C replaced by T.
Protein change: p.Arg55Ter; replaces arginine 55 with a stop codon.
Molecular consequence: nonsense.
Genome position (GRCh38, 1-based): chr1:3,848,732, G>A on the plus strand (C>T on the coding strand, the complement: CEP104 is on the minus strand). VCF-style: chr1-3848732-G-A. GRCh37 (hg19) VCF-style: chr1-3765296-G-A.
Other names: c.163C>T (NM_014704.3); short protein forms R55*.
Identifiers: ClinVar variation 2072188 (VCV002072188.8), dbSNP rs757772764, ClinGen allele CA552033.